The following is an entry in ClinVar:

ClinVar aggregate classification (germline): Likely pathogenic. Review status: criteria provided, single submitter (1 of 4 stars). 2 submissions from 2 submitters: Likely pathogenic (1). 1 of the submissions does not count toward it. Last evaluated 2025-02-04.

Conditions:
Brittle cornea syndrome 1 (BCS1). Also called: DYSGENESIS MESODERMALIS CORNEAE ET SCLERAE; CORNEAL FRAGILITY, KERATOGLOBUS, BLUE SCLERAE, JOINT HYPEREXTENSIBILITY; EDS6B; FRAGILITAS OCULI WITH JOINT HYPEREXTENSIBILITY; Corneal fragility keratoglobus, blue sclerae AND joint hypermobility. Identifiers: Orphanet 90354, MedGen C0268344, MONDO:0024543, OMIM 229200.

gnomAD v4.1: 26 of 1,550,210 alleles (0.0017%); highest among the groups gnomAD compares: South Asian, 0.0024%; no homozygotes.

Submissions (2):

First Genomix Gene Laboratory, Genetic Diagnostics Department
Classification: Likely pathogenic for Brittle cornea syndrome 1. Last evaluated: 2025-02-04. Review status: criteria provided, single submitter. Criteria: ACMG Guidelines, 2015. Collection method: clinical testing. Allele origin: germline. Inheritance: Autosomal recessive inheritance. Affected: no. Observed: 1 variant allele.

Hong-Tao Li Lab, Institute of Brain Science and Brain-inspired Research, Shandong First Medical University & Shandong Academy of Medical Sciences China
Classification: Pathogenic for Brittle cornea syndrome 1. Review status: no assertion criteria provided. Collection method: research. Allele origin: germline. Inheritance: Autosomal recessive inheritance. Affected: yes. Observed: 1 variant allele, 1 homozygote. Not counted in ClinVar's aggregate classification.
Comment: Observed in affected individuals from a Pakistani neurodevelopmental-disorder research cohort of 263 individuals. Classification assigned using the ACMG/AMP framework. Population-frequency evidence: gnomAD AF 3.187e-05.

NM_001367624.2(ZNF469):c.11347C>T (p.Arg3783Ter)

Gene: ZNF469 (zinc finger protein 469; plus strand). Cytogenetic location: 16q24.2.
Variant type: single nucleotide variant.
Coding change: c.11347C>T on transcript NM_001367624.2 (MANE Select); coding-DNA position 11347, C replaced by T.
Protein change: p.Arg3783Ter; replaces arginine 3783 with a stop codon.
Molecular consequence: nonsense.
Genome position (GRCh38, 1-based): chr16:88,438,817, C>T. VCF-style: chr16-88438817-C-T. GRCh37 (hg19) VCF-style: chr16-88505225-C-T.
Other names: short protein forms R3783*.
Identifiers: ClinVar variation 4845690 (VCV004845690.2).
Genomic context (GRCh38, chr16:88,438,817, plus strand): 5'-ACCACCCCAGCCAAGCCCAGCTTCCCCAGCCGGAGCCCTGCACCAGAGAGGCTCCCCGCT[C>T]GAGCCCAAGCCAAGAGCTGCACCAAGGGGCCAAGGGAAGCTGGTGAGCAGGGGCCCCACG-3'